The following is an entry in ClinVar:

NM_001282659.2(USP47):c.309C>T (p.Asn103=)

Gene: USP47 (ubiquitin specific peptidase 47; plus strand). Cytogenetic location: 11p15.3.
Variant type: single nucleotide variant.
Coding change: c.309C>T on transcript NM_001282659.2 (MANE Select); coding-DNA position 309, C replaced by T.
Protein change: p.Asn103=; no amino-acid change (asparagine 103 retained).
Molecular consequence: synonymous variant. On other transcripts: 5 prime UTR variant (1).
Genome position (GRCh38, 1-based): chr11:11,884,532, C>T. VCF-style: chr11-11884532-C-T. GRCh37 (hg19) VCF-style: chr11-11906079-C-T.
Other names: c.369C>T, p.Asn123= (NM_001330208.2, NM_001372096.1); c.309C>T, p.Asn103= (NM_001372091.1, NM_001372092.1, NM_001372097.1 and 1 more transcripts); c.291C>T, p.Asn97= (NM_001372093.1, NM_001372094.1, NM_001372095.1); c.105C>T, p.Asn35= (NM_001372099.1, NM_001372101.1, NM_017944.4); c.69C>T, p.Asn23= (NM_001372100.1, NM_001372103.1); c.-75C>T (NM_001372102.1).
Identifiers: ClinVar variation 2641607 (VCV002641607.24), dbSNP rs760242388, ClinGen allele CA5887707.
Genomic context (GRCh38, chr11:11,884,532, plus strand): 5'-ACTGGATCATACCAGTGACAAGTCACTTCTCGACGCTAATTTTGAGCCAGGAAAGAAGAA[C>T]TTTCTGCATTTGACAGATAAAGATGGTGAACAACCTCAAATACTGCTGGTAAGCTACTTA-3'
Protein context (NP_001269588.1, residues 93-113): LDANFEPGKK[Asn103=]FLHLTDKDGE

ClinVar aggregate classification (germline): Likely benign (1 of 4 stars; one submission).

Allele frequency attached by ClinVar (database versions not stated): gnomAD 0.00001; ExAC 0.00002; TOPMed 0.00003; gnomAD exomes 0.00004.
gnomAD v4.1: 54 of 1,612,146 alleles (0.0033%); highest among the groups gnomAD compares: Non-Finnish European, 0.0043%; no homozygotes.

Submission:

CeGaT Center for Human Genetics Tuebingen
Classification: Likely benign. Last evaluated: 2022-05-01. Review status: criteria provided, single submitter. Criteria: CeGaT Center For Human Genetics Tuebingen Variant Classification Criteria Version 2. Collection method: clinical testing. Allele origin: germline. Affected: yes. Observed: 1 variant allele.
Comment: USP47: BP4, BP7